The following is an entry in ClinVar:

NM_000235.4(LIPA):c.726G>A (p.Trp242Ter)

Gene: LIPA (lipase A, lysosomal acid type; minus strand). Cytogenetic location: 10q23.31.
Variant type: single nucleotide variant.
Coding change: c.726G>A on transcript NM_000235.4 (MANE Select); coding-DNA position 726, G replaced by A.
Protein change: p.Trp242Ter; replaces tryptophan 242 with a stop codon.
Molecular consequence: nonsense.
Genome position (GRCh38, 1-based): chr10:89,223,780, C>T on the plus strand (G>A on the coding strand, the complement: LIPA is on the minus strand). VCF-style: chr10-89223780-C-T. GRCh37 (hg19) VCF-style: chr10-90983537-C-T.
Other names: c.726G>A, p.Trp242Ter (NM_001127605.3, NM_001440818.1, NM_001440819.1 and 16 more transcripts); c.378G>A, p.Trp126Ter (NM_001288979.2); c.858G>A, p.Trp286Ter (NM_001440836.1); c.747G>A, p.Trp249Ter (NM_001440837.1); c.741G>A, p.Trp247Ter (NM_001440838.1); c.558G>A, p.Trp186Ter (NM_001440839.1); short protein forms W126*, W186*, W242*, W247*, W249*, W286*.
Identifiers: ClinVar variation 5013032 (VCV005013032.1).
Genomic context (GRCh38, chr10:89,223,780, plus strand): 5'-AAAACAGAGATTTCCACAGAGCTCCTTCAGTATGACATGAGTGCAAACGTGGGTACCCAG[C>T]CACTTCAAAAACGCACTCTGGGGAAGAAATTCTTTGTCTCCAAATAAGTCCTACAAAATA-3'

ClinVar aggregate classification (germline): Pathogenic (1 of 4 stars; one submission).

Conditions:
Lysosomal acid lipase deficiency. Also called: Acid cholesteryl ester hydrolase deficiency, type 2. Identifiers: Orphanet 275761, MedGen C5574740, MONDO:0800449, MONDO:0010204.

gnomAD v4.1: 1 of 1,613,966 alleles (0.000062%); highest among the groups gnomAD compares: Non-Finnish European, 0.000085%; no homozygotes.

Submission:

Myriad Genetics, Inc.
Classification: Pathogenic for Lysosomal acid lipase deficiency. Last evaluated: 2024-05-11. Review status: criteria provided, single submitter. Criteria: Myriad Autosomal Dominant, Autosomal Recessive and X-Linked Classification Criteria (2023). Collection method: clinical testing. Allele origin: unknown.
Comment: NM_000235.2(LIPA):c.726G>A(W242*) is expected to be pathogenic in the context of lysosomal acid lipase deficiency. This variant is predicted to lead to an abnormal or absent protein product due to the creation of a premature termination codon in LIPA, a gene where loss-of-function variants are known to be pathogenic. Please note: this variant was assessed in the context of healthy population screening.